The following is an entry in ClinVar:

NM_000260.4(MYO7A):c.3140G>A (p.Arg1047His)

Gene: MYO7A (myosin VIIA; plus strand). Cytogenetic location: 11q13.5.
Variant type: single nucleotide variant.
Coding change: c.3140G>A on transcript NM_000260.4 (MANE Select); coding-DNA position 3140, G replaced by A.
Protein change: p.Arg1047His; replaces arginine 1047 with histidine.
Molecular consequence: missense variant.
Genome position (GRCh38, 1-based): chr11:77,182,455, G>A. VCF-style: chr11-77182455-G-A. GRCh37 (hg19) VCF-style: chr11-76893500-G-A.
Other names: c.3140G>A, p.Arg1047His (NM_001127180.2); c.3107G>A, p.Arg1036His (NM_001369365.1); short protein forms R1036H, R1047H.
Identifiers: ClinVar variation 1315158 (VCV001315158.5), dbSNP rs782761618, ClinGen allele CA6197999.

ClinVar aggregate classification (germline): Uncertain significance. Review status: criteria provided, multiple submitters, no conflicts (2 of 4 stars). 2 submissions from 2 submitters: Uncertain significance (2). Last evaluated 2024-06-25.

Allele frequency attached by ClinVar (database versions not stated): gnomAD exomes 0.00001; TOPMed 0.00001; ExAC 0.00002; gnomAD 0.00002.
gnomAD v4.1: 26 of 1,608,944 alleles (0.0016%); highest among the groups gnomAD compares: African/African-American, 0.0056%; no homozygotes.

Submissions (2):

Labcorp Genetics (formerly Invitae), Labcorp
Classification: Uncertain significance. Last evaluated: 2024-06-25. Review status: criteria provided, single submitter. Criteria: Invitae Variant Classification Sherloc (09022015). Collection method: clinical testing. Allele origin: germline.
Comment: This sequence change replaces arginine, which is basic and polar, with histidine, which is basic and polar, at codon 1047 of the MYO7A protein (p.Arg1047His). This variant is present in population databases (rs782761618, gnomAD 0.009%). This variant has not been reported in the literature in individuals affected with MYO7A-related conditions. ClinVar contains an entry for this variant (Variation ID: 1315158). Advanced modeling of protein sequence and biophysical properties (such as structural, functional, and spatial information, amino acid conservation, physicochemical variation, residue mobility, and thermodynamic stability) performed at Invitae indicates that this missense variant is expected to disrupt MYO7A protein function with a positive predictive value of 95%. In summary, the available evidence is currently insufficient to determine the role of this variant in disease. Therefore, it has been classified as a Variant of Uncertain Significance.

GeneDx
Classification: Uncertain significance. Last evaluated: 2020-01-28. Review status: criteria provided, single submitter. Criteria: GeneDx Variant Classification Process June 2021. Collection method: clinical testing. Allele origin: germline. Affected: yes.
Comment: In silico analysis, which includes protein predictors and evolutionary conservation, supports a deleterious effect; Has not been previously published as pathogenic or benign to our knowledge